The following is an entry in ClinVar:

NM_152424.4(AMER1):c.634C>T (p.Pro212Ser)

Gene: AMER1 (APC membrane recruitment protein 1; minus strand). Cytogenetic location: Xq11.2.
Variant type: single nucleotide variant.
Coding change: c.634C>T on transcript NM_152424.4 (MANE Select); coding-DNA position 634, C replaced by T.
Protein change: p.Pro212Ser; replaces proline 212 with serine.
Molecular consequence: missense variant.
Genome position (GRCh38, 1-based): chrX:64,192,653, G>A on the plus strand (C>T on the coding strand, the complement: AMER1 is on the minus strand). VCF-style: chrX-64192653-G-A. GRCh37 (hg19) VCF-style: chrX-63412533-G-A.
Other names: short protein forms P212S.
Identifiers: ClinVar variation 2763981 (VCV002763981.3), dbSNP rs2147090125, ClinGen allele CA413310241.
Genomic context (GRCh38, chrX:64,192,653, plus strand): 5'-GGGGGTTAGCATTTTCCTTTCTAGGGGCTTGGAAGGTCTCCTCAAAGCAGGGCACCTGAG[G>A]GGCTGAGCTCACGTGCTCATGAGGCCTGGCTCTGACCCTCTCAGGCCCCTTGGCCCCTGG-3'
Protein context (NP_689637.3, residues 202-222): ARPHEHVSSA[Pro212Ser]QVPCFEETFQ

ClinVar aggregate classification (germline): Uncertain significance (1 of 4 stars; one submission).

Allele frequency attached by ClinVar (database versions not stated): gnomAD exomes below 0.00001.
gnomAD v4.1: 1 of 1,166,659 alleles (0.000086%); highest among the groups gnomAD compares: Non-Finnish European, 0.00011%; no homozygotes.

Submission:

Labcorp Genetics (formerly Invitae), Labcorp
Classification: Uncertain significance. Last evaluated: 2023-09-27. Review status: criteria provided, single submitter. Criteria: Invitae Variant Classification Sherloc (09022015). Collection method: clinical testing. Allele origin: germline.
Comment: This sequence change replaces proline, which is neutral and non-polar, with serine, which is neutral and polar, at codon 212 of the AMER1 protein (p.Pro212Ser). This variant is not present in population databases (gnomAD no frequency). This variant has not been reported in the literature in individuals affected with AMER1-related conditions. Algorithms developed to predict the effect of missense changes on protein structure and function output the following: SIFT: "Not Available"; PolyPhen-2: "Benign"; Align-GVGD: "Not Available". The serine amino acid residue is found in multiple mammalian species, which suggests that this missense change does not adversely affect protein function. In summary, the available evidence is currently insufficient to determine the role of this variant in disease. Therefore, it has been classified as a Variant of Uncertain Significance.